The following is an entry in ClinVar:

ClinVar aggregate classification (germline): Uncertain significance. Review status: criteria provided, multiple submitters, no conflicts (2 of 4 stars). 2 submissions from 2 submitters: Uncertain significance (2). Last evaluated 2022-09-01.

Conditions:
Inborn genetic diseases. Identifiers: MedGen C0950123, MeSH D030342.
Neonatal-onset encephalopathy with rigidity and seizures. Also called: Lethal neonatal spasticity-epileptic encephalopathy syndrome. Identifiers: Orphanet 435845, MedGen C3281029, MONDO:0013784, OMIM 614498.

Allele frequency attached by ClinVar (database versions not stated): gnomAD exomes below 0.00001; ExAC 0.00001.
gnomAD v4.1: 1 of 1,613,750 alleles (0.000062%); highest among the groups gnomAD compares: African/African-American, 0.0013%; no homozygotes.

Submissions (2):

Labcorp Genetics (formerly Invitae), Labcorp
Classification: Uncertain significance for Neonatal-onset encephalopathy with rigidity and seizures. Last evaluated: 2022-09-01. Review status: criteria provided, single submitter. Criteria: Invitae Variant Classification Sherloc (09022015). Collection method: clinical testing. Allele origin: germline.
Comment: This sequence change replaces proline, which is neutral and non-polar, with leucine, which is neutral and non-polar, at codon 10 of the BRAT1 protein (p.Pro10Leu). This variant is present in population databases (rs777858114, gnomAD 0.007%). This variant has not been reported in the literature in individuals affected with BRAT1-related conditions. Algorithms developed to predict the effect of missense changes on protein structure and function (SIFT, PolyPhen-2, Align-GVGD) all suggest that this variant is likely to be disruptive. In summary, the available evidence is currently insufficient to determine the role of this variant in disease. Therefore, it has been classified as a Variant of Uncertain Significance.

Ambry Genetics
Classification: Uncertain significance for Inborn genetic diseases. Last evaluated: 2020-11-23. Review status: criteria provided, single submitter. Criteria: Ambry Variant Classification Scheme 2023. Collection method: clinical testing. Allele origin: germline.
Comment: The c.29C>T (p.P10L) alteration is located in exon 2 (coding exon 1) of the BRAT1 gene. This alteration results from a C to T substitution at nucleotide position 29, causing the proline (P) at amino acid position 10 to be replaced by a leucine (L). Based on data from the Genome Aggregation Database (gnomAD) database, the BRAT1 c.29C>T alteration was observed in 0.0004% (1/251084) of total alleles studied. The p.P10 amino acid is conserved in available vertebrate species. The p.P10L alteration is predicted to be tolerated by in silico analysis. Based on insufficient or conflicting evidence, the clinical significance of this alteration remains unclear.

NM_152743.4(BRAT1):c.29C>T (p.Pro10Leu)

Gene: BRAT1 (BRCA1 associated ATM activator 1; minus strand). Cytogenetic location: 7p22.3.
Variant type: single nucleotide variant.
Coding change: c.29C>T on transcript NM_152743.4 (MANE Select); coding-DNA position 29, C replaced by T.
Protein change: p.Pro10Leu; replaces proline 10 with leucine.
Molecular consequence: missense variant. On other transcripts: 5 prime UTR variant (1), non-coding transcript variant (1).
Genome position (GRCh38, 1-based): chr7:2,554,403, G>A on the plus strand (C>T on the coding strand, the complement: BRAT1 is on the minus strand). VCF-style: chr7-2554403-G-A. GRCh37 (hg19) VCF-style: chr7-2594037-G-A.
Other names: c.29C>T, p.Pro10Leu (NM_001350626.2); c.-349C>T (NM_001350627.2); c.29C>T (NM_152743.3); short protein forms P10L.
Identifiers: ClinVar variation 2166590 (VCV002166590.2), dbSNP rs777858114, ClinGen allele CA4128336.